The following is an entry in ClinVar:

NM_000548.5(TSC2):c.4746C>G (p.Ile1582Met)

Gene: TSC2 (TSC complex subunit 2; plus strand). Cytogenetic location: 16p13.3.
Variant type: single nucleotide variant.
Coding change: c.4746C>G on transcript NM_000548.5 (MANE Select); coding-DNA position 4746, C replaced by G.
Protein change: p.Ile1582Met; replaces isoleucine 1582 with methionine.
Molecular consequence: missense variant.
Genome position (GRCh38, 1-based): chr16:2,086,276, C>G. VCF-style: chr16-2086276-C-G. GRCh37 (hg19) VCF-style: chr16-2136277-C-G.
Other names: c.4545C>G, p.Ile1515Met (NM_001077183.3); c.4677C>G, p.Ile1559Met (NM_001114382.3); c.4437C>G, p.Ile1479Met (NM_001318827.2); c.4401C>G, p.Ile1467Met (NM_001318829.2); c.4014C>G, p.Ile1338Met (NM_001318831.2); c.4578C>G, p.Ile1526Met (NM_001318832.2); c.4548C>G, p.Ile1516Met (NM_001363528.2); c.4614C>G, p.Ile1538Met (NM_001370404.1); and 1 more; short protein forms I1467M, I1538M, I1526M, I1539M, I1582M, I1338M, I1479M, I1515M.
Identifiers: ClinVar variation 825139 (VCV000825139.13), dbSNP rs751305758, ClinGen allele CA394307701.

ClinVar aggregate classification (germline): Uncertain significance. Review status: criteria provided, multiple submitters, no conflicts (2 of 4 stars). 2 submissions from 2 submitters: Uncertain significance (2). Last evaluated 2024-08-29.

Conditions:
Hereditary cancer-predisposing syndrome. Also called: Neoplastic Syndromes, Hereditary; Hereditary Cancer Syndrome; Hereditary neoplastic syndrome; Tumor predisposition. Identifiers: Orphanet 140162, MedGen C0027672, MeSH D009386, MONDO:0015356.
Tuberous sclerosis 2 (TSC2). Identifiers: Orphanet 805, MedGen C1860707, MONDO:0013199, OMIM 613254.

gnomAD v4.1: 1 of 1,612,860 alleles (0.000062%); highest among the groups gnomAD compares: Non-Finnish European, 0.000085%; no homozygotes.

Submissions (2):

Ambry Genetics
Classification: Uncertain significance for Hereditary cancer-predisposing syndrome. Last evaluated: 2024-08-29. Review status: criteria provided, single submitter. Criteria: Ambry Variant Classification Scheme 2023. Collection method: clinical testing. Allele origin: germline.
Comment: The p.I1582M variant (also known as c.4746C>G), located in coding exon 36 of the TSC2 gene, results from a C to G substitution at nucleotide position 4746. The isoleucine at codon 1582 is replaced by methionine, an amino acid with highly similar properties. This amino acid position is highly conserved in available vertebrate species. In addition, this alteration is predicted to be deleterious by in silico analysis. Based on the available evidence, the clinical significance of this variant remains unclear.

Labcorp Genetics (formerly Invitae), Labcorp
Classification: Uncertain significance for Tuberous sclerosis 2. Last evaluated: 2020-11-23. Review status: criteria provided, single submitter. Criteria: Invitae Variant Classification Sherloc (09022015). Collection method: clinical testing. Allele origin: germline.
Comment: This variant has not been reported in the literature in individuals with TSC2-related conditions. ClinVar contains an entry for this variant (Variation ID: 825139). This variant is not present in population databases (ExAC no frequency). This sequence change replaces isoleucine with methionine at codon 1582 of the TSC2 protein (p.Ile1582Met). The isoleucine residue is highly conserved and there is a small physicochemical difference between isoleucine and methionine. Algorithms developed to predict the effect of missense changes on protein structure and function are either unavailable or do not agree on the potential impact of this missense change (SIFT: "Deleterious"; PolyPhen-2: "Probably Damaging"; Align-GVGD: "Class C0"). In summary, the available evidence is currently insufficient to determine the role of this variant in disease. Therefore, it has been classified as a Variant of Uncertain Significance.